The following is an entry in ClinVar:

ClinVar aggregate classification (germline): Uncertain significance. Review status: criteria provided, multiple submitters, no conflicts (2 of 4 stars). 3 submissions from 3 submitters: Uncertain significance (3). Last evaluated 2024-09-11.

Conditions:
Familial steroid-resistant nephrotic syndrome with sensorineural deafness. Identifiers: Orphanet 280406, MedGen C3553349, MONDO:0013836, OMIM 614650.

gnomAD v4.1: 57 of 1,614,034 alleles (0.0035%); highest among the groups gnomAD compares: Non-Finnish European, 0.0047%; 1 homozygote.

Submissions (3):

GeneDx
Classification: Uncertain significance. Last evaluated: 2024-09-11. Review status: criteria provided, single submitter. Criteria: GeneDx Variant Classification Process June 2021. Collection method: clinical testing. Allele origin: germline. Affected: yes.
Comment: Not observed at significant frequency in large population cohorts (gnomAD); In silico analysis supports that this missense variant has a deleterious effect on protein structure/function; Has not been previously published as pathogenic or benign to our knowledge

Fulgent Genetics
Classification: Uncertain significance for Familial steroid-resistant nephrotic syndrome with sensorineural deafness. Last evaluated: 2024-05-09. Review status: criteria provided, single submitter. Criteria: ACMG Guidelines, 2015. Collection method: clinical testing. Allele origin: germline.

Labcorp Genetics (formerly Invitae), Labcorp
Classification: Uncertain significance. Last evaluated: 2022-06-15. Review status: criteria provided, single submitter. Criteria: Invitae Variant Classification Sherloc (09022015). Collection method: clinical testing. Allele origin: germline.
Comment: This sequence change replaces valine, which is neutral and non-polar, with leucine, which is neutral and non-polar, at codon 143 of the COQ6 protein (p.Val143Leu). This variant is present in population databases (rs144520464, gnomAD 0.005%). This variant has not been reported in the literature in individuals affected with COQ6-related conditions. Algorithms developed to predict the effect of missense changes on protein structure and function are either unavailable or do not agree on the potential impact of this missense change (SIFT: "Tolerated"; PolyPhen-2: "Probably Damaging"; Align-GVGD: "Class C0"). In summary, the available evidence is currently insufficient to determine the role of this variant in disease. Therefore, it has been classified as a Variant of Uncertain Significance.

NM_182476.3(COQ6):c.427G>T (p.Val143Leu)

Genes: COQ6 (coenzyme Q6, monooxygenase; plus strand), ENTPD5 (ectonucleoside triphosphate diphosphohydrolase 5; minus strand). Cytogenetic location: 14q24.3.
Variant type: single nucleotide variant.
Coding change: c.427G>T on transcript NM_182476.3 (MANE Select); coding-DNA position 427, G replaced by T.
Protein change: p.Val143Leu; replaces valine 143 with leucine.
Molecular consequence: missense variant. On other transcripts: synonymous variant (2), intron variant (3).
Genome position (GRCh38, 1-based): chr14:73,955,874, G>T. VCF-style: chr14-73955874-G-T. GRCh37 (hg19) VCF-style: chr14-74422577-G-T.
Other names: c.18G>T, p.Ser6= (NM_001425265.1, NM_001425264.1); c.352G>T, p.Val118Leu (NM_182480.3, NM_001425258.1); c.357+365G>T (NM_001425262.1); c.1201-287C>A (NM_001382258.1); c.1201-46C>A (NM_001382262.1); c.427G>T, p.Val143Leu (NM_001425255.1, NM_001425256.1); c.262G>T, p.Val88Leu (NM_001425257.1); c.202G>T, p.Val68Leu (NM_001425259.1, NM_001425260.1, NM_001425261.1); and 1 more; short protein forms V118L, V143L.
Identifiers: ClinVar variation 1435094 (VCV001435094.11), dbSNP rs144520464, ClinGen allele CA7264168.